The following is an entry in ClinVar:

ClinVar aggregate classification (germline): Uncertain significance (1 of 4 stars; one submission).

Conditions:
Inborn genetic diseases. Identifiers: MedGen C0950123, MeSH D030342.

Submission:

Ambry Genetics
Classification: Uncertain significance for Inborn genetic diseases. Last evaluated: 2025-12-22. Review status: criteria provided, single submitter. Criteria: Ambry Variant Classification Scheme 2023. Collection method: clinical testing. Allele origin: germline.
Comment: The p.Y177S variant (also known as c.530A>C), located in coding exon 1 of the SAMD9L gene, results from an A to C substitution at nucleotide position 530. The tyrosine at codon 177 is replaced by serine, an amino acid with dissimilar properties. This amino acid position is conserved. In addition, the in silico prediction for this alteration is inconclusive. Based on the available evidence, the clinical significance of this variant remains unclear.

NM_152703.5(SAMD9L):c.530A>C (p.Tyr177Ser)

Gene: SAMD9L (sterile alpha motif domain containing 9 like; minus strand). Cytogenetic location: 7q21.2.
Variant type: single nucleotide variant.
Coding change: c.530A>C on transcript NM_152703.5 (MANE Select); coding-DNA position 530, A replaced by C.
Protein change: p.Tyr177Ser; replaces tyrosine 177 with serine.
Molecular consequence: missense variant.
Genome position (GRCh38, 1-based): chr7:93,135,442, T>G on the plus strand (A>C on the coding strand, the complement: SAMD9L is on the minus strand). VCF-style: chr7-93135442-T-G. GRCh37 (hg19) VCF-style: chr7-92764755-T-G.
Other names: c.530A>C, p.Tyr177Ser (NM_001303496.3, NM_001303497.3, NM_001303498.3 and 5 more transcripts); short protein forms Y177S.
Identifiers: ClinVar variation 4842010 (VCV004842010.1).